The following is an entry in ClinVar:

ClinVar aggregate classification (germline): Conflicting classifications of pathogenicity. Review status: criteria provided, conflicting classifications (1 of 4 stars). 4 submissions from 4 submitters: Uncertain significance (2); Likely benign (1). 1 of the submissions does not count toward it. Last evaluated 2026-01-22.

Conditions:
Microcephaly 1, primary, autosomal recessive (MCPH1). Also called: PREMATURE CHROMOSOME CONDENSATION SYNDROME; PCC SYNDROME; PREMATURE CHROMOSOME CONDENSATION WITH MICROCEPHALY AND MENTAL RETARDATION. Identifiers: Orphanet 2512, MedGen C1855081, MONDO:0009617, OMIM 251200.
MCPH1-related disorder. Also called: MCPH1-related condition.

Allele frequency attached by ClinVar (database versions not stated): gnomAD 0.00006 and 0.00007; TOPMed 0.00024; ExAC 0.00042; gnomAD exomes 0.00047.

Submissions (4):

Labcorp Genetics (formerly Invitae), Labcorp
Classification: Likely benign. Last evaluated: 2026-01-22. Review status: criteria provided, single submitter. Criteria: Invitae Variant Classification Sherloc (09022015). Collection method: clinical testing. Allele origin: germline.

Revvity Omics, Revvity
Classification: Uncertain significance for Microcephaly 1, primary, autosomal recessive. Last evaluated: 2021-11-02. Review status: criteria provided, single submitter. Criteria: ACMG Guidelines, 2015. Collection method: clinical testing. Allele origin: germline.

Baylor Genetics
Classification: Uncertain significance for Microcephaly 1, primary, autosomal recessive. Last evaluated: 2018-03-19. Review status: criteria provided, single submitter. Criteria: ACMG Guidelines, 2015. Collection method: clinical testing. Allele origin: paternal. Affected: yes.
Comment: This variant was determined to be of uncertain significance according to ACMG Guidelines, 2015 [PMID:25741868].

PreventionGenetics, part of Exact Sciences
Classification: Likely benign for MCPH1-related condition. Last evaluated: 2022-08-31. Review status: no assertion criteria provided. Collection method: clinical testing. Allele origin: germline. Not counted in ClinVar's aggregate classification.
Comment: This variant is classified as likely benign based on ACMG/AMP sequence variant interpretation guidelines (Richards et al. 2015 PMID: 25741868, with internal and published modifications).

NM_024596.5(MCPH1):c.652C>T (p.Arg218Cys)

Gene: MCPH1 (microcephalin 1; plus strand). Cytogenetic location: 8p23.1.
Variant type: single nucleotide variant.
Coding change: c.652C>T on transcript NM_024596.5 (MANE Select); coding-DNA position 652, C replaced by T.
Protein change: p.Arg218Cys; replaces arginine 218 with cysteine.
Molecular consequence: missense variant. On other transcripts: non-coding transcript variant (1).
Genome position (GRCh38, 1-based): chr8:6,442,138, C>T. VCF-style: chr8-6442138-C-T. GRCh37 (hg19) VCF-style: chr8-6299659-C-T.
Other names: c.652C>T, p.Arg218Cys (NM_001172574.2, NM_001322042.2, NM_001363979.1 and 1 more transcripts); c.508C>T, p.Arg170Cys (NM_001172575.2); c.646C>T, p.Arg216Cys (NM_001322043.2); c.550C>T, p.Arg184Cys (NM_001322045.2); c.652C>T (NM_001322042.1); short protein forms R184C, R170C, R216C, R218C.
Identifiers: ClinVar variation 731332 (VCV000731332.14), dbSNP rs757012933, ClinGen allele CA4610332.
Genomic context (GRCh38, chr8:6,442,138, plus strand): 5'-ATTCAGCAGTCTCATGATAATCCAAGTAACTCTCTGTGTGAAGCACCTTTGAACATTTCA[C>T]GTGATACTTTGTGTTCAGGTAAAATTTTTATTTTCCTTTCTGTGATATGTTTAAGTTTTG-3'
Protein context (NP_078872.3, residues 208-228): SLCEAPLNIS[Arg218Cys]DTLCSDEYFA